The following is an entry in ClinVar:

NM_024876.4(COQ8B):c.1035+8G>A

Gene: COQ8B (coenzyme Q8B; minus strand). Cytogenetic location: 19q13.2.
Variant type: single nucleotide variant.
Coding change: c.1035+8G>A on transcript NM_024876.4 (MANE Select); 8 bases into the intron after coding-DNA position 1035, G replaced by A.
Molecular consequence: intron variant.
Genome position (GRCh38, 1-based): chr19:40,700,302, C>T on the plus strand (G>A on the coding strand, the complement: COQ8B is on the minus strand). VCF-style: chr19-40700302-C-T. GRCh37 (hg19) VCF-style: chr19-41206207-C-T.
Other names: c.912+8G>A (NM_001142555.3).
Identifiers: ClinVar variation 742360 (VCV000742360.10), dbSNP rs376627440, ClinGen allele CA9450189.
Genomic context (GRCh38, chr19:40,700,302, plus strand): 5'-AGAGACCATGAGCCTGGCCCACCCGCCCTGGGGCCATGCCCTTCCCACTGTGCCACCAGA[C>T]AGCATACCTGGTTCCGCAGGTCCTGGCTTAGGCCCTGGCACTGGTCCAGGGGGACCCCTC-3'

ClinVar aggregate classification (germline): Benign/Likely benign. Review status: criteria provided, multiple submitters, no conflicts (2 of 4 stars). 5 submissions from 5 submitters: Benign (2); Likely benign (2). 1 of the submissions does not count toward it. Last evaluated 2024-11-21.

Conditions:
COQ8B-related disorder. Also called: COQ8B-related condition.
Nephrotic syndrome, type 9 (NPHS9). Identifiers: Orphanet 656, MedGen C3809965, MONDO:0014257, OMIM 615573.

Allele frequency attached by ClinVar (database versions not stated): ESP Exome Variant Server 0.00015; gnomAD 0.00017 and 0.00046; TOPMed 0.00025; gnomAD exomes 0.00137; ExAC 0.00147; 1000 Genomes Project 30x 0.00156; 1000 Genomes Project 0.00160.
gnomAD v4.1: 1,029 of 1,613,210 alleles (0.064%); highest among the groups gnomAD compares: South Asian, 0.93%; 19 homozygotes.

Submissions (5):

Blueprint Genetics
Classification: Likely benign. Last evaluated: 2024-11-21. Review status: criteria provided, single submitter. Criteria: ACMG Guidelines, 2015. Collection method: clinical testing. Allele origin: germline.

GeneDx
Classification: Likely benign. Last evaluated: 2021-04-08. Review status: criteria provided, single submitter. Criteria: GeneDx Variant Classification Process June 2021. Collection method: clinical testing. Allele origin: germline. Affected: yes.

Dubai Health Genomic Medicine Center, Dubai Health
Classification: Benign for Nephrotic syndrome, type 9. Last evaluated: 2020-03-26. Review status: criteria provided, single submitter. Criteria: ACMG Guidelines, 2015. Collection method: clinical testing. Allele origin: germline. Affected: yes.

Labcorp Genetics (formerly Invitae), Labcorp
Classification: Benign. Last evaluated: 2019-12-31. Review status: criteria provided, single submitter. Criteria: Invitae Variant Classification Sherloc (09022015). Collection method: clinical testing. Allele origin: germline.

PreventionGenetics, part of Exact Sciences
Classification: Benign for COQ8B-related condition. Last evaluated: 2022-11-29. Review status: no assertion criteria provided. Collection method: clinical testing. Allele origin: germline. Not counted in ClinVar's aggregate classification.
Comment: This variant is classified as benign based on ACMG/AMP sequence variant interpretation guidelines (Richards et al. 2015 PMID: 25741868, with internal and published modifications).